The following is an entry in ClinVar:

ClinVar aggregate classification (germline): Likely benign. Review status: criteria provided, multiple submitters, no conflicts (2 of 4 stars). 3 submissions from 3 submitters: Likely benign (2). 1 of the submissions does not count toward it. Last evaluated 2024-09-10.

Conditions:
PRF1-related disorder. Also called: PRF1-related condition.
Familial hemophagocytic lymphohistiocytosis 2 (FHL2). Also called: PRF1-Related Familial Hemophagocytic Lymphohistiocytosis (PRF1-fHLH). Identifiers: Orphanet 540, MedGen C1863727, MONDO:0011337, OMIM 603553.

Allele frequency attached by ClinVar (database versions not stated): ExAC 0.00001; gnomAD 0.00001; TOPMed 0.00001.

Submissions (3):

Labcorp Genetics (formerly Invitae), Labcorp
Classification: Likely benign for Familial hemophagocytic lymphohistiocytosis 2. Last evaluated: 2024-09-10. Review status: criteria provided, single submitter. Criteria: Invitae Variant Classification Sherloc (09022015). Collection method: clinical testing. Allele origin: germline.

Blueprint Genetics
Classification: Likely benign. Last evaluated: 2022-11-23. Review status: criteria provided, single submitter. Criteria: ACMG Guidelines, 2015. Collection method: clinical testing. Allele origin: germline.

PreventionGenetics, part of Exact Sciences
Classification: Likely benign for PRF1-related condition. Last evaluated: 2022-10-26. Review status: no assertion criteria provided. Collection method: clinical testing. Allele origin: germline. Not counted in ClinVar's aggregate classification.
Comment: This variant is classified as likely benign based on ACMG/AMP sequence variant interpretation guidelines (Richards et al. 2015 PMID: 25741868, with internal and published modifications).

NM_001083116.3(PRF1):c.1212C>T (p.Thr404=)

Gene: PRF1 (perforin 1; minus strand). Cytogenetic location: 10q22.1.
Variant type: single nucleotide variant.
Coding change: c.1212C>T on transcript NM_001083116.3 (MANE Select); coding-DNA position 1212, C replaced by T.
Protein change: p.Thr404=; no amino-acid change (threonine 404 retained).
Molecular consequence: synonymous variant.
Genome position (GRCh38, 1-based): chr10:70,598,509, G>A on the plus strand (C>T on the coding strand, the complement: PRF1 is on the minus strand). VCF-style: chr10-70598509-G-A. GRCh37 (hg19) VCF-style: chr10-72358265-G-A.
Other names: c.1212C>T, p.Thr404= (NM_005041.6).
Identifiers: ClinVar variation 2717258 (VCV002717258.6), dbSNP rs757256300, ClinGen allele CA5538791.
Genomic context (GRCh38, chr10:70,598,509, plus strand): 5'-TGCTTGGATGAAGGTCACCTCCAGCTGGGCCAGGCCCCTCTGCCGAGGGCAGCAGTCCTG[G>A]GTGGTGACCGCTGAGCCATGGCACACACACTGGCATGGGTCTCGGGGGCTCTTCTGCCGC-3'
Protein context (NP_001076585.1, residues 394-414): QCVCHGSAVT[Thr404=]QDCCPRQRGL